The following is an entry in ClinVar:

NM_006420.3(ARFGEF2):c.1026T>C (p.Asp342=)

Gene: ARFGEF2 (ARF guanine nucleotide exchange factor 2; plus strand). Cytogenetic location: 20q13.13.
Variant type: single nucleotide variant.
Coding change: c.1026T>C on transcript NM_006420.3 (MANE Select); coding-DNA position 1026, T replaced by C.
Protein change: p.Asp342=; no amino-acid change (aspartic acid 342 retained).
Molecular consequence: synonymous variant.
Genome position (GRCh38, 1-based): chr20:48,965,990, T>C. VCF-style: chr20-48965990-T-C. GRCh37 (hg19) VCF-style: chr20-47582527-T-C.
Other names: c.1023T>C, p.Asp341= (NM_001410846.1).
Identifiers: ClinVar variation 3031205 (VCV003031205.2), dbSNP rs2516069836, ClinGen allele CA510795149.

ClinVar aggregate classification (germline): Likely benign (0 of 4 stars; one submission).

Conditions:
ARFGEF2-related disorder. Also called: ARFGEF2-related condition.

gnomAD v4.1: 6 of 1,614,172 alleles (0.00037%); highest among the groups gnomAD compares: Non-Finnish European, 0.00034%; no homozygotes.

Submission:

PreventionGenetics, part of Exact Sciences
Classification: Likely benign for ARFGEF2-related condition. Last evaluated: 2021-05-26. Review status: no assertion criteria provided. Collection method: clinical testing. Allele origin: germline.
Comment: This variant is classified as likely benign based on ACMG/AMP sequence variant interpretation guidelines (Richards et al. 2015 PMID: 25741868, with internal and published modifications).